The following is an entry in ClinVar:

NM_004360.5(CDH1):c.2439+4_2439+5dup

Gene: CDH1 (cadherin 1; plus strand). Cytogenetic location: 16q22.1.
Variant type: Duplication.
Coding change: c.2439+4_2439+5dup on transcript NM_004360.5 (MANE Select); bases 4 to 5 of the intron after coding-DNA position 2439, 2 bases duplicated (AG; older notation c.2439+4_2439+5dupAG).
Molecular consequence: intron variant.
Genome position (GRCh38, 1-based): chr16:68,829,801-68,829,802, AG duplicated. VCF-style (leftmost placement, unchanged base first): chr16-68829800-A-AAG. GRCh37 (hg19) VCF-style: chr16-68863703-A-AAG.
Other names: c.891+4_891+5dup (NM_001317185.2); c.474+4_474+5dup (NM_001317186.2); c.2256+4_2256+5dup (NM_001317184.2).
Identifiers: ClinVar variation 944215 (VCV000944215.10), dbSNP rs1961435319, ClinGen allele CA1139664745.
Genomic context (GRCh38, chr16:68,829,800, plus strand): 5'-CCCCCGGTATCTTCCCCGCCCTGCCAATCCCGATGAAATTGGAAATTTTATTGATGAAGT[A>AAG]AGTAATCCACGTGGAAAGCCAAAGCATGGCTCATCTCTAAGCTCAGGAGGAGTTGTGTCA-3'

ClinVar aggregate classification (germline): Uncertain significance (1 of 4 stars; one submission).

Conditions:
Hereditary diffuse gastric adenocarcinoma (HDGC). Also called: DIFFUSE GASTRIC AND LOBULAR BREAST CANCER SYNDROME. Identifiers: Orphanet 26106, MedGen C1708349, MONDO:0007648, OMIM 137215.

Submission:

Labcorp Genetics (formerly Invitae), Labcorp
Classification: Uncertain significance for Hereditary diffuse gastric adenocarcinoma. Last evaluated: 2020-01-15. Review status: criteria provided, single submitter. Criteria: Invitae Variant Classification Sherloc (09022015). Collection method: clinical testing. Allele origin: germline.
Comment: In summary, the available evidence is currently insufficient to determine the role of this variant in disease. Therefore, it has been classified as a Variant of Uncertain Significance. Nucleotide substitutions within the consensus splice site are a relatively common cause of aberrant splicing (PMID: 17576681, 9536098). Algorithms developed to predict the effect of sequence changes on RNA splicing suggest that this variant may disrupt the consensus splice site, but this prediction has not been confirmed by published transcriptional studies. This variant has not been reported in the literature in individuals with CDH1-related conditions. This variant is not present in population databases (ExAC no frequency). This sequence change falls in intron 15 of the CDH1 gene. It does not directly change the encoded amino acid sequence of the CDH1 protein, but it affects a nucleotide within the consensus splice site of the intron.

Literature cited by the submitters: PubMed 17576681; PubMed 9536098.